The following is an entry in ClinVar:

ClinVar aggregate classification (germline): Uncertain significance. Review status: criteria provided, multiple submitters, no conflicts (2 of 4 stars). 2 submissions from 2 submitters: Uncertain significance (2). Last evaluated 2025-08-02.

Conditions:
Inborn genetic diseases. Identifiers: MedGen C0950123, MeSH D030342.

Allele frequency attached by ClinVar (database versions not stated): TOPMed 0.00007; ESP Exome Variant Server 0.00008.
gnomAD v4.1: 22 of 1,613,624 alleles (0.0014%); highest among the groups gnomAD compares: Admixed American, 0.01%; no homozygotes.

Submissions (2):

Ambry Genetics
Classification: Uncertain significance for Inborn genetic diseases. Last evaluated: 2025-08-02. Review status: criteria provided, single submitter. Criteria: Ambry Variant Classification Scheme 2023. Collection method: clinical testing. Allele origin: germline.

Labcorp Genetics (formerly Invitae), Labcorp
Classification: Uncertain significance. Last evaluated: 2022-09-19. Review status: criteria provided, single submitter. Criteria: Invitae Variant Classification Sherloc (09022015). Collection method: clinical testing. Allele origin: germline.
Comment: This sequence change replaces arginine, which is basic and polar, with tryptophan, which is neutral and slightly polar, at codon 275 of the CDHR1 protein (p.Arg275Trp). This variant is present in population databases (rs200640039, gnomAD 0.004%). This variant has not been reported in the literature in individuals affected with CDHR1-related conditions. ClinVar contains an entry for this variant (Variation ID: 862062). Advanced modeling of protein sequence and biophysical properties (such as structural, functional, and spatial information, amino acid conservation, physicochemical variation, residue mobility, and thermodynamic stability) has been performed at Invitae for this missense variant, however the output from this modeling did not meet the statistical confidence thresholds required to predict the impact of this variant on CDHR1 protein function. In summary, the available evidence is currently insufficient to determine the role of this variant in disease. Therefore, it has been classified as a Variant of Uncertain Significance.

NM_033100.4(CDHR1):c.823C>T (p.Arg275Trp)

Gene: CDHR1 (cadherin related family member 1; plus strand). Cytogenetic location: 10q23.1.
Variant type: single nucleotide variant.
Coding change: c.823C>T on transcript NM_033100.4 (MANE Select); coding-DNA position 823, C replaced by T.
Protein change: p.Arg275Trp; replaces arginine 275 with tryptophan.
Molecular consequence: missense variant.
Genome position (GRCh38, 1-based): chr10:84,204,566, C>T. VCF-style: chr10-84204566-C-T. GRCh37 (hg19) VCF-style: chr10-85964322-C-T.
Other names: c.823C>T (NM_033100.2); c.823C>T, p.Arg275Trp (NM_001171971.3); short protein forms R275W.
Identifiers: ClinVar variation 862062 (VCV000862062.9), dbSNP rs200640039, ClinGen allele CA5579720.